The following is an entry in ClinVar:

NM_003265.3(TLR3):c.1552A>T (p.Ile518Leu)

Gene: TLR3 (toll like receptor 3; plus strand). Cytogenetic location: 4q35.1.
Variant type: single nucleotide variant.
Coding change: c.1552A>T on transcript NM_003265.3 (MANE Select); coding-DNA position 1552, A replaced by T.
Protein change: p.Ile518Leu; replaces isoleucine 518 with leucine.
Molecular consequence: missense variant.
Genome position (GRCh38, 1-based): chr4:186,083,238, A>T. VCF-style: chr4-186083238-A-T. GRCh37 (hg19) VCF-style: chr4-187004392-A-T.
Other names: short protein forms I518L.
Identifiers: ClinVar variation 2418275 (VCV002418275.7), dbSNP rs932524368, ClinGen allele CA358932606.

ClinVar aggregate classification (germline): Uncertain significance (1 of 4 stars; one submission).

Conditions:
Encephalopathy, acute, infection-induced (herpes-specific), susceptibility to, 1. Also called: Herpes simplex encephalitis, susceptibility to, 1. Identifiers: Orphanet 1930, MedGen C2750180, MONDO:0024563, OMIM 610551.

gnomAD v4.1: 1 of 1,614,178 alleles (0.000062%); highest among the groups gnomAD compares: Non-Finnish European, 0.000085%; no homozygotes.

Submission:

Labcorp Genetics (formerly Invitae), Labcorp
Classification: Uncertain significance for Encephalopathy, acute, infection-induced (herpes-specific), susceptibility to, 1. Last evaluated: 2022-05-19. Review status: criteria provided, single submitter. Criteria: Invitae Variant Classification Sherloc (09022015). Collection method: clinical testing. Allele origin: germline.
Comment: In summary, the available evidence is currently insufficient to determine the role of this variant in disease. Therefore, it has been classified as a Variant of Uncertain Significance. Algorithms developed to predict the effect of missense changes on protein structure and function output the following: SIFT: "Deleterious"; PolyPhen-2: "Benign"; Align-GVGD: "Class C0". The leucine amino acid residue is found in multiple mammalian species, which suggests that this missense change does not adversely affect protein function. This variant has not been reported in the literature in individuals affected with TLR3-related conditions. This variant is not present in population databases (gnomAD no frequency). This sequence change replaces isoleucine, which is neutral and non-polar, with leucine, which is neutral and non-polar, at codon 518 of the TLR3 protein (p.Ile518Leu).